The following is an entry in ClinVar:

NM_020937.4(FANCM):c.233C>A (p.Ser78Tyr)

Gene: FANCM (FA complementation group M; plus strand). Cytogenetic location: 14q21.2.
Variant type: single nucleotide variant.
Coding change: c.233C>A on transcript NM_020937.4 (MANE Select); coding-DNA position 233, C replaced by A.
Protein change: p.Ser78Tyr; replaces serine 78 with tyrosine.
Molecular consequence: missense variant.
Genome position (GRCh38, 1-based): chr14:45,136,264, C>A. VCF-style: chr14-45136264-C-A. GRCh37 (hg19) VCF-style: chr14-45605467-C-A.
Other names: c.233C>A, p.Ser78Tyr (NM_001308133.2, NM_001308134.2); short protein forms S78Y.
Identifiers: ClinVar variation 1327102 (VCV001327102.9), dbSNP rs753797551, ClinGen allele CA7168725.

ClinVar aggregate classification (germline): Uncertain significance. Review status: criteria provided, multiple submitters, no conflicts (2 of 4 stars). 5 submissions from 5 submitters: Uncertain significance (5). Last evaluated 2025-01-27.

Conditions:
Inborn genetic diseases. Identifiers: MedGen C0950123, MeSH D030342.
Fanconi anemia (FA). Also called: Fanconi's anemia. Identifiers: Orphanet 84, MedGen C0015625, MeSH D005199, MONDO:0019391.
Spermatogenic failure 28. Identifiers: MedGen C4748117, MONDO:0054732, OMIM 618086.

Allele frequency attached by ClinVar (database versions not stated): gnomAD 0.00001; gnomAD exomes 0.00002 and 0.00005; TOPMed 0.00002; ExAC 0.00004.
gnomAD v4.1: 16 of 1,614,048 alleles (0.00099%); highest among the groups gnomAD compares: Admixed American, 0.025%; no homozygotes.

Submissions (5):

Ambry Genetics
Classification: Uncertain significance for Inborn genetic diseases. Last evaluated: 2025-01-27. Review status: criteria provided, single submitter. Criteria: Ambry Variant Classification Scheme 2023. Collection method: clinical testing. Allele origin: germline.
Comment: The p.S78Y variant (also known as c.233C>A), located in coding exon 1 of the FANCM gene, results from a C to A substitution at nucleotide position 233. The serine at codon 78 is replaced by tyrosine, an amino acid with dissimilar properties. This amino acid position is conserved. In addition, this alteration is predicted to be tolerated by in silico analysis. Based on the available evidence, the clinical significance of this variant remains unclear.

Labcorp Genetics (formerly Invitae), Labcorp
Classification: Uncertain significance for Fanconi anemia. Last evaluated: 2023-10-18. Review status: criteria provided, single submitter. Criteria: Invitae Variant Classification Sherloc (09022015). Collection method: clinical testing. Allele origin: germline.
Comment: This sequence change replaces serine, which is neutral and polar, with tyrosine, which is neutral and polar, at codon 78 of the FANCM protein (p.Ser78Tyr). This variant is present in population databases (rs753797551, gnomAD 0.04%). This variant has not been reported in the literature in individuals affected with FANCM-related conditions. ClinVar contains an entry for this variant (Variation ID: 1327102). An algorithm developed to predict the effect of missense changes on protein structure and function (PolyPhen-2) suggests that this variant¬†is likely to be tolerated. In summary, the available evidence is currently insufficient to determine the role of this variant in disease. Therefore, it has been classified as a Variant of Uncertain Significance.

Quest Diagnostics Nichols Institute San Juan Capistrano
Classification: Uncertain significance. Last evaluated: 2022-10-24. Review status: criteria provided, single submitter. Criteria: Quest Diagnostics criteria. Collection method: clinical testing. Allele origin: unknown.
Comment: The variant has not been reported in the published literature. The frequency of this variant in the general population, 0.00037 (13/35436 chromosomes), is uninformative in assessment of its pathogenicity. Analysis of this variant using bioinformatics tools for the prediction of the effect of amino acid changes on protein structure and function yielded conflicting predictions that this variant is benign or damaging. Based on the available information, we are unable to determine the clinical significance of this variant.

GeneDx
Classification: Uncertain significance. Last evaluated: 2022-06-09. Review status: criteria provided, single submitter. Criteria: GeneDx Variant Classification Process June 2021. Collection method: clinical testing. Allele origin: germline. Affected: yes.
Comment: In silico analysis supports that this missense variant has a deleterious effect on protein structure/function; Has not been previously published as pathogenic or benign to our knowledge

Baylor Genetics
Classification: Uncertain significance for Spermatogenic failure 28. Last evaluated: 2021-03-23. Review status: criteria provided, single submitter. Criteria: ACMG Guidelines, 2015. Collection method: clinical testing. Allele origin: unknown. Affected: yes. Study: CSER-TexasKidsCanSeq.
Comment: This variant was determined to be of uncertain significance according to ACMG Guidelines, 2015 [PMID:25741868].